The following is an entry in ClinVar:

ClinVar aggregate classification (germline): Uncertain significance. Review status: criteria provided, multiple submitters, no conflicts (2 of 4 stars). 2 submissions from 2 submitters: Uncertain significance (2). Last evaluated 2025-08-06.

Conditions:
Hereditary cancer-predisposing syndrome. Also called: Hereditary Cancer Syndrome; Hereditary neoplastic syndrome; Neoplastic Syndromes, Hereditary; Tumor predisposition. Identifiers: Orphanet 140162, MedGen C0027672, MeSH D009386, MONDO:0015356.
Fanconi anemia complementation group O. Also called: RAD51C-Related Fanconi Anemia. Identifiers: Orphanet 84, MedGen C3150653, MONDO:0013248, OMIM 613390.

Submissions (2):

Labcorp Genetics (formerly Invitae), Labcorp
Classification: Uncertain significance for Fanconi anemia complementation group O. Last evaluated: 2025-08-06. Review status: criteria provided, single submitter. Criteria: Invitae Variant Classification Sherloc (09022015). Collection method: clinical testing. Allele origin: germline.
Comment: This sequence change replaces histidine, which is basic and polar, with tyrosine, which is neutral and polar, at codon 192 of the RAD51C protein (p.His192Tyr). This variant is not present in population databases (gnomAD no frequency). This variant has not been reported in the literature in individuals affected with RAD51C-related conditions. ClinVar contains an entry for this variant (Variation ID: 921771). An algorithm developed to predict the effect of missense changes on protein structure and function outputs the following: PolyPhen-2: "Benign". The tyrosine amino acid residue is found in multiple mammalian species, which suggests that this missense change does not adversely affect protein function. In summary, the available evidence is currently insufficient to determine the role of this variant in disease. Therefore, it has been classified as a Variant of Uncertain Significance.

Color Diagnostics, LLC DBA Color Health
Classification: Uncertain significance for Hereditary cancer-predisposing syndrome. Last evaluated: 2018-11-16. Review status: criteria provided, single submitter. Criteria: ACMG Guidelines, 2015. Collection method: clinical testing. Allele origin: germline.

NM_058216.3(RAD51C):c.574C>T (p.His192Tyr)

Gene: RAD51C (RAD51 paralog C; plus strand). Cytogenetic location: 17q22.
Variant type: single nucleotide variant.
Coding change: c.574C>T on transcript NM_058216.3 (MANE Select); coding-DNA position 574, C replaced by T.
Protein change: p.His192Tyr; replaces histidine 192 with tyrosine.
Molecular consequence: missense variant. On other transcripts: non-coding transcript variant (1).
Genome position (GRCh38, 1-based): chr17:58,703,198, C>T. VCF-style: chr17-58703198-C-T. GRCh37 (hg19) VCF-style: chr17-56780559-C-T.
Other names: short protein forms H192Y.
Identifiers: ClinVar variation 921771 (VCV000921771.3), dbSNP rs2048268314, ClinGen allele CA400348998.